The following is an entry in ClinVar:

ClinVar aggregate classification (germline): Uncertain significance. Review status: criteria provided, multiple submitters, no conflicts (2 of 4 stars). 2 submissions from 2 submitters: Uncertain significance (2). Last evaluated 2026-01-14.

Conditions:
Inborn genetic diseases. Identifiers: MedGen C0950123, MeSH D030342.

Allele frequency attached by ClinVar (database versions not stated): TOPMed below 0.00001; ExAC 0.00001; gnomAD exomes 0.00001.
gnomAD v4.1: 14 of 1,611,008 alleles (0.00087%); highest among the groups gnomAD compares: Non-Finnish European, 0.0011%; no homozygotes.

Submissions (2):

Ambry Genetics
Classification: Uncertain significance for Inborn genetic diseases. Last evaluated: 2026-01-14. Review status: criteria provided, single submitter. Criteria: Ambry Variant Classification Scheme 2023. Collection method: clinical testing. Allele origin: germline.

Labcorp Genetics (formerly Invitae), Labcorp
Classification: Uncertain significance. Last evaluated: 2023-04-05. Review status: criteria provided, single submitter. Criteria: Invitae Variant Classification Sherloc (09022015). Collection method: clinical testing. Allele origin: germline.
Comment: ClinVar contains an entry for this variant (Variation ID: 1938939). This variant has not been reported in the literature in individuals affected with VCAN-related conditions. This variant is present in population databases (rs767345477, gnomAD 0.0009%). This sequence change replaces arginine, which is basic and polar, with histidine, which is basic and polar, at codon 327 of the VCAN protein (p.Arg327His). An algorithm developed to predict the effect of missense changes on protein structure and function (PolyPhen-2) suggests that this variant is likely to be disruptive. In summary, the available evidence is currently insufficient to determine the role of this variant in disease. Therefore, it has been classified as a Variant of Uncertain Significance.

NM_004385.5(VCAN):c.980G>A (p.Arg327His)

Gene: VCAN (versican; plus strand). Cytogenetic location: 5q14.3.
Variant type: single nucleotide variant.
Coding change: c.980G>A on transcript NM_004385.5 (MANE Select); coding-DNA position 980, G replaced by A.
Protein change: p.Arg327His; replaces arginine 327 with histidine.
Molecular consequence: missense variant.
Genome position (GRCh38, 1-based): chr5:83,512,334, G>A. VCF-style: chr5-83512334-G-A. GRCh37 (hg19) VCF-style: chr5-82808153-G-A.
Other names: c.980G>A, p.Arg327His (NM_001126336.3, NM_001164097.2, NM_001164098.2); c.980G>A (NM_004385.4); short protein forms R327H.
Identifiers: ClinVar variation 1938939 (VCV001938939.7), dbSNP rs767345477, ClinGen allele CA3332563.
Genomic context (GRCh38, chr5:83,512,334, plus strand): 5'-CTGTGACTGTGGCCAGGGCCCAGTGTGGAGGTGGTCTACTTGGGGTGAGAACCCTGTATC[G>A]TTTTGAGAACCAGACAGGCTTCCCTCCCCCTGATAGCAGATTTGATGCCTACTGCTTTAA-3'
Protein context (NP_004376.2, residues 317-337): GGLLGVRTLY[Arg327His]FENQTGFPPP